The following is an entry in ClinVar:

ClinVar aggregate classification (germline): Uncertain significance (1 of 4 stars; one submission).

Conditions:
Emery-Dreifuss muscular dystrophy 5, autosomal dominant (EDMD5). Also called: EMERY-DREIFUSS MUSCULAR DYSTROPHY 5. Identifiers: Orphanet 261, MedGen C2751805, MONDO:0013072, OMIM 612999.

gnomAD v4.1: 2 of 1,614,050 alleles (0.00012%); highest among the groups gnomAD compares: African/African-American, 0.0013%; no homozygotes.

Submission:

Labcorp Genetics (formerly Invitae), Labcorp
Classification: Uncertain significance for Emery-Dreifuss muscular dystrophy 5, autosomal dominant. Last evaluated: 2025-03-28. Review status: criteria provided, single submitter. Criteria: Invitae Variant Classification Sherloc (09022015). Collection method: clinical testing. Allele origin: germline.
Comment: This sequence change replaces lysine, which is basic and polar, with glutamic acid, which is acidic and polar, at codon 5777 of the SYNE2 protein (p.Lys5777Glu). This variant is present in population databases (no rsID available, gnomAD 0.01%). This variant has not been reported in the literature in individuals affected with SYNE2-related conditions. An algorithm developed to predict the effect of missense changes on protein structure and function (PolyPhen-2) suggests that this variant is likely to be tolerated. In summary, the available evidence is currently insufficient to determine the role of this variant in disease. Therefore, it has been classified as a Variant of Uncertain Significance.

NM_182914.3(SYNE2):c.17329A>G (p.Lys5777Glu)

Gene: SYNE2 (spectrin repeat containing nuclear envelope protein 2; plus strand). Cytogenetic location: 14q23.2.
Variant type: single nucleotide variant.
Coding change: c.17329A>G on transcript NM_182914.3 (MANE Select); coding-DNA position 17329, A replaced by G.
Protein change: p.Lys5777Glu; replaces lysine 5777 with glutamic acid.
Molecular consequence: missense variant.
Genome position (GRCh38, 1-based): chr14:64,175,037, A>G. VCF-style: chr14-64175037-A-G. GRCh37 (hg19) VCF-style: chr14-64641755-A-G.
Other names: c.17329A>G, p.Lys5777Glu (NM_015180.6); short protein forms K5777E.
Identifiers: ClinVar variation 3710588 (VCV003710588.2).
Genomic context (GRCh38, chr14:64,175,037, plus strand): 5'-ACCTGTGCCCTAACCTTGGAAGCTGGAGAAAAGTTACTGCTCACAACTGACCTGAAAACT[A>G]AAGAGTCTGTGGGTAGGAGAATCAGTCAACTTCAGGACAGCTGGAAAGACATGGAGCCCC-3'
Protein context (NP_878918.2, residues 5767-5787): KLLLTTDLKT[Lys5777Glu]ESVGRRISQL